The following is an entry in ClinVar:

NM_198576.4(AGRN):c.6100G>A (p.Val2034Ile)

Gene: AGRN (agrin; plus strand). Cytogenetic location: 1p36.33.
Variant type: single nucleotide variant.
Coding change: c.6100G>A on transcript NM_198576.4 (MANE Select); coding-DNA position 6100, G replaced by A.
Protein change: p.Val2034Ile; replaces valine 2034 with isoleucine.
Molecular consequence: missense variant.
Genome position (GRCh38, 1-based): chr1:1,054,943, G>A. VCF-style: chr1-1054943-G-A. GRCh37 (hg19) VCF-style: chr1-990323-G-A.
Other names: c.6169G>A, p.Val2057Ile (NM_001305275.2); c.5797G>A, p.Val1933Ile (NM_001364727.2); short protein forms V2057I, V2034I, V1933I.
Identifiers: ClinVar variation 648445 (VCV000648445.5), dbSNP rs760232764, ClinGen allele CA510334.
Genomic context (GRCh38, chr1:1,054,943, plus strand): 5'-GTGGGCTGCTTGCGGGACGTGGTGGTGGGCCGGCACCCGCTGCACCTGCTGGAGGACGCC[G>A]TCACCAAGCCAGAGCTGCGGCCCTGCCCCACCCCATGAGCTGGCACCAGAGCCCCGCGCC-3'
Protein context (NP_940978.2, residues 2024-2044): RHPLHLLEDA[Val2034Ile]TKPELRPCPT

ClinVar aggregate classification (germline): Conflicting classifications of pathogenicity. Review status: criteria provided, conflicting classifications (1 of 4 stars). 2 submissions from 2 submitters: Uncertain significance (1); Likely benign (1). Last evaluated 2025-08-30.

Conditions:
Congenital myasthenic syndrome 8. Also called: Myasthenic syndrome, congenital, 8, with pre- and postsynaptic defects; MYASTHENIC SYNDROME, CONGENITAL, DUE TO AGRIN DEFICIENCY. Identifiers: Orphanet 590, MedGen C3808739, MONDO:0014052, OMIM 615120.
Inborn genetic diseases. Identifiers: MedGen C0950123, MeSH D030342.

Allele frequency attached by ClinVar (database versions not stated): ExAC below 0.00001; gnomAD exomes 0.00002; gnomAD 0.00003 and 0.00004; TOPMed 0.00005.
gnomAD v4.1: 33 of 1,548,948 alleles (0.0021%); highest among the groups gnomAD compares: African/African-American, 0.0027%; no homozygotes.

Submissions (2):

Ambry Genetics
Classification: Likely benign for Inborn genetic diseases. Last evaluated: 2025-08-30. Review status: criteria provided, single submitter. Criteria: Ambry Variant Classification Scheme 2023. Collection method: clinical testing. Allele origin: germline.

Labcorp Genetics (formerly Invitae), Labcorp
Classification: Uncertain significance for Congenital myasthenic syndrome 8. Last evaluated: 2022-09-26. Review status: criteria provided, single submitter. Criteria: Invitae Variant Classification Sherloc (09022015). Collection method: clinical testing. Allele origin: germline.
Comment: Algorithms developed to predict the effect of missense changes on protein structure and function output the following: SIFT: "Tolerated"; PolyPhen-2: "Benign"; Align-GVGD: "Class C0". The isoleucine amino acid residue is found in multiple mammalian species, which suggests that this missense change does not adversely affect protein function. In summary, the available evidence is currently insufficient to determine the role of this variant in disease. Therefore, it has been classified as a Variant of Uncertain Significance. ClinVar contains an entry for this variant (Variation ID: 648445). This sequence change replaces valine, which is neutral and non-polar, with isoleucine, which is neutral and non-polar, at codon 2034 of the AGRN protein (p.Val2034Ile). The frequency data for this variant in the population databases is considered unreliable, as metrics indicate poor data quality at this position in the gnomAD database. This variant has not been reported in the literature in individuals affected with AGRN-related conditions.